The following is an entry in ClinVar:

ClinVar aggregate classification (germline): Uncertain significance (1 of 4 stars; one submission).

Submission:

GeneDx
Classification: Uncertain significance. Last evaluated: 2014-02-19. Review status: criteria provided, single submitter. Criteria: GeneDx Variant Classification (06012015). Collection method: clinical testing. Allele origin: germline. Affected: yes.
Comment: p.Val421Ala (GTG>GCG): c.1262 T>C in exon 9 of the SCN1A gene (NM_001165963.1) A variant of unknown significance has been identified in the SCN1A gene. The Val421Ala variant has not been published as a mutation, nor has it been reported as a benign polymorphism to our knowledge. It was not observed in approximately 6,500 individuals of European and African American ancestry in the NHLBI Exome Sequencing Project, indicating it is not a common benign variant in these populations. This substitution alters a conserved position in transmembrane segment S6 in the first homologous domain, and missense mutations in nearby residues (Ala420Val, Val422Glu, Val422Met, Tyr426Asn and Tyr426Cys) have been reported in association with SCN1A-related disorders, supporting the functional importance of this region of the protein. In silico analysis predicts this variant is probably damaging to the protein structure/function. However, the Val421Ala variant is a conservative amino acid substitution, which is not likely to impact secondary protein structure as these residues share similar properties. Therefore, based on the currently available information, it is unclear whether this variant is a pathogenic mutation or a rare benign variant. The variant is found in EPILEPSY panel(s).

NM_001165963.4(SCN1A):c.1262T>C (p.Val421Ala)

Gene: SCN1A (sodium voltage-gated channel alpha subunit 1; minus strand). Cytogenetic location: 2q24.3.
Variant type: single nucleotide variant.
Coding change: c.1262T>C on transcript NM_001165963.4 (MANE Select); coding-DNA position 1262, T replaced by C.
Protein change: p.Val421Ala; replaces valine 421 with alanine.
Molecular consequence: missense variant. On other transcripts: 5 prime UTR variant (1), non-coding transcript variant (1).
Genome position (GRCh38, 1-based): chr2:166,046,885, A>G on the plus strand (T>C on the coding strand, the complement: SCN1A is on the minus strand). VCF-style: chr2-166046885-A-G. GRCh37 (hg19) VCF-style: chr2-166903395-A-G.
Other names: p.V421A:GTG>GCG; c.1262T>C, p.Val421Ala (NM_001165964.3, NM_001202435.3, NM_001353948.2 and 10 more transcripts); c.-1164T>C (NM_001353961.2); short protein forms V421A.
Identifiers: ClinVar variation 206764 (VCV000206764.2), dbSNP rs796052975, ClinGen allele CA317221.
Genomic context (GRCh38, chr2:166,046,885, plus strand): 5'-TCTTTCTGTTCTGCTTCTTCCAAGGTGGCCTGATTCTGTTCCTCGTAGGCCATGGCCACC[A>G]CAGCCAGGATCAAATTTATTAGGTAGAATGAGCCCAAGAAAATGACCAATACAAAAAATA-3'
Protein context (NP_001159435.1, residues 411-431): SFYLINLILA[Val421Ala]VAMAYEEQNQ